The following is an entry in ClinVar:

NM_000548.5(TSC2):c.1266C>G (p.Ser422=)

Gene: TSC2 (TSC complex subunit 2; plus strand). Cytogenetic location: 16p13.3.
Variant type: single nucleotide variant.
Coding change: c.1266C>G on transcript NM_000548.5 (MANE Select); coding-DNA position 1266, C replaced by G.
Protein change: p.Ser422=; no amino-acid change (serine 422 retained).
Molecular consequence: synonymous variant. On other transcripts: 5 prime UTR variant (8), non-coding transcript variant (5), intron variant (2).
Genome position (GRCh38, 1-based): chr16:2,062,505, C>G. VCF-style: chr16-2062505-C-G. GRCh37 (hg19) VCF-style: chr16-2112506-C-G.
Other names: c.1266C>G, p.Ser422= (NM_001077183.3, NM_001114382.3, NM_001363528.2 and 6 more transcripts); c.1155C>G, p.Ser385= (NM_001318827.2, NM_001406670.1, NM_001406678.1); c.1119C>G, p.Ser373= (NM_001318829.2, NM_001406679.1, NM_001406675.1 and 1 more transcripts); c.666C>G, p.Ser222= (NM_001318831.2, NM_001406680.1, NM_001406682.1 and 6 more transcripts); c.1299C>G, p.Ser433= (NM_001318832.2); c.804C>G, p.Ser268= (NM_001406681.1); c.-79C>G (NM_001406689.1, NM_001406690.1, NM_001406691.1 and 4 more transcripts); c.-255C>G (NM_001406698.1); and 4 more.
Identifiers: ClinVar variation 3462690 (VCV003462690.2).
Genomic context (GRCh38, chr16:2,062,505, plus strand): 5'-GAAGGAGAGCGCCGGAGGGGCAGAGGGGCAACACCGGCTCTTCTTTTGACAGGAGTCCTC[C>G]CTCCTGAACCTGATCTCCTATAGAGCGCAGTCCATCCACCCGGCCAAGGACGGCTGGATT-3'
Protein context (NP_000539.2, residues 412-432): ERCADQRPES[Ser422=]LLNLISYRAQ

ClinVar aggregate classification (germline): Benign/Likely benign. Review status: criteria provided, multiple submitters, no conflicts (2 of 4 stars). 2 submissions from 2 submitters: Benign (1); Likely benign (1). Last evaluated 2025-05-13.

Conditions:
Hereditary cancer-predisposing syndrome. Also called: Hereditary Cancer Syndrome; Hereditary neoplastic syndrome; Neoplastic Syndromes, Hereditary; Tumor predisposition. Identifiers: Orphanet 140162, MedGen C0027672, MeSH D009386, MONDO:0015356.
Tuberous sclerosis 2 (TSC2). Identifiers: Orphanet 805, MedGen C1860707, MONDO:0013199, OMIM 613254.

Submissions (2):

Myriad Genetics, Inc.
Classification: Benign for Tuberous sclerosis 2. Last evaluated: 2025-05-13. Review status: criteria provided, single submitter. Criteria: Myriad Autosomal Dominant, Autosomal Recessive and X-Linked Classification Criteria (2023). Collection method: clinical testing. Allele origin: unknown.
Comment: This variant is considered benign. This variant is a silent/synonymous amino acid change and it is not expected to impact splicing.

Ambry Genetics
Classification: Likely benign for Hereditary cancer-predisposing syndrome. Last evaluated: 2024-12-02. Review status: criteria provided, single submitter. Criteria: Ambry Variant Classification Scheme 2023. Collection method: clinical testing. Allele origin: germline.